The following is an entry in ClinVar:

ClinVar aggregate classification (germline): Benign/Likely benign. Review status: criteria provided, multiple submitters, no conflicts (2 of 4 stars). 3 submissions from 3 submitters: Benign (1); Likely benign (2). Last evaluated 2025-10-12.

Conditions:
Inborn genetic diseases. Identifiers: MedGen C0950123, MeSH D030342.
RAI1-related disorder. Also called: RAI1-related condition.

Allele frequency attached by ClinVar (database versions not stated): gnomAD exomes below 0.00001 and 0.00001; ExAC 0.00001; TOPMed 0.00003; gnomAD 0.00004.
gnomAD v4.1: 13 of 1,613,666 alleles (0.00081%); highest among the groups gnomAD compares: African/African-American, 0.016%; no homozygotes.

Submissions (3):

Labcorp Genetics (formerly Invitae), Labcorp
Classification: Benign. Last evaluated: 2025-10-12. Review status: criteria provided, single submitter. Criteria: Invitae Variant Classification Sherloc (09022015). Collection method: clinical testing. Allele origin: germline.

PreventionGenetics, part of Exact Sciences
Classification: Likely benign for RAI1-related condition. Last evaluated: 2025-05-15. Review status: criteria provided, single submitter. Criteria: ACMG Guidelines, 2015. Collection method: clinical testing. Allele origin: germline.
Comment: This variant is classified as likely benign based on ACMG/AMP sequence variant interpretation guidelines (Richards et al. 2015 PMID: 25741868, with internal and published modifications).

Ambry Genetics
Classification: Likely benign for Inborn genetic diseases. Last evaluated: 2021-06-25. Review status: criteria provided, single submitter. Criteria: Ambry Variant Classification Scheme 2023. Collection method: clinical testing. Allele origin: germline.

NM_030665.4(RAI1):c.4258T>C (p.Ser1420Pro)

Gene: RAI1 (retinoic acid induced 1; plus strand). Cytogenetic location: 17p11.2.
Variant type: single nucleotide variant.
Coding change: c.4258T>C on transcript NM_030665.4 (MANE Select); coding-DNA position 4258, T replaced by C.
Protein change: p.Ser1420Pro; replaces serine 1420 with proline.
Molecular consequence: missense variant.
Genome position (GRCh38, 1-based): chr17:17,797,206, T>C. VCF-style: chr17-17797206-T-C. GRCh37 (hg19) VCF-style: chr17-17700520-T-C.
Other names: c.4258T>C (NM_030665.3); short protein forms S1420P.
Identifiers: ClinVar variation 1430985 (VCV001430985.10), dbSNP rs1446366935, ClinGen allele CA8418914.